The following is an entry in ClinVar:

ClinVar aggregate classification (germline): Pathogenic/Likely pathogenic. Review status: criteria provided, multiple submitters, no conflicts (2 of 4 stars). 3 submissions from 3 submitters: Pathogenic (1); Likely pathogenic (1). 1 of the submissions does not count toward it. Last evaluated 2025-12-22.

Conditions:
Intellectual developmental disorder with microcephaly and with or without ocular malformations or hypogonadotropic hypogonadism. Also called: Intellectual disability, autosomal dominant 27; Coffin-Siris Syndrome 9. Identifiers: Orphanet 1465, MedGen C4014528, MONDO:0014376, OMIM 615866.

gnomAD v4.1: 2 of 1,605,758 alleles (0.00012%); highest among the groups gnomAD compares: Admixed American, 0.0033%; no homozygotes.

Submissions (3):

Variantyx, Inc.
Classification: Likely pathogenic for Intellectual developmental disorder with microcephaly and with or without ocular malformations or hypogonadotropic hypogonadism. Last evaluated: 2025-12-22. Review status: criteria provided, single submitter. Criteria: Variantyx Assertion Criteria 2022. Collection method: clinical testing. Allele origin: germline. Inheritance: Autosomal dominant inheritance. Affected: yes.
Comment: This is a nonsense variant in the SOX11 gene (OMIM: 600898). Pathogenic variants in this gene have been associated with autosomal dominant intellectual developmental disorder with microcephaly and with or without ocular malformations or hypogonadotropic hypogonadism. This variant introduces a premature termination codon in exon 1 out of 1 and is expected to result in loss of function, which is a known disease mechanism for SOX11 in this disorder (PMID: 35341651, 24886874, 26543203, 18992374) (PVS1). This variant has been reported in at least one affected individual (PMID: 35904121) and t has a 0.0033% maximum allele frequency in non-founder control populations (PM2). Based on the current evidence, this variant is classified as likely pathogenic for autosomal dominant intellectual developmental disorder with microcephaly and with or without ocular malformations or hypogonadotropic hypogonadism.

Labcorp Genetics (formerly Invitae), Labcorp
Classification: Pathogenic. Last evaluated: 2025-11-20. Review status: criteria provided, single submitter. Criteria: Invitae Variant Classification Sherloc (09022015). Collection method: clinical testing. Allele origin: germline.
Comment: This sequence change creates a premature translational stop signal (p.Glu11*) in the SOX11 gene. While this is not anticipated to result in nonsense mediated decay, it is expected to disrupt the last 431 amino acid(s) of the SOX11 protein. This variant is present in population databases (rs756768286, gnomAD 0.003%). This premature translational stop signal has been observed in individual(s) with clinical features of Coffin-Siris syndrome (PMID: 35904121). ClinVar contains an entry for this variant (Variation ID: 3586731). This variant disrupts a region of the SOX11 protein in which other variant(s) (p.Glu234*) have been determined to be pathogenic (PMID: 39501269). This suggests that this is a clinically significant region of the protein, and that variants that disrupt it are likely to be disease-causing. For these reasons, this variant has been classified as Pathogenic.

Fulgent Genetics
Classification: Uncertain significance for Intellectual developmental disorder with microcephaly and with or without ocular malformations or hypogonadotropic hypogonadism. Last evaluated: 2024-04-02. Review status: flagged submission. Criteria: ACMG Guidelines, 2015. Collection method: clinical testing. Allele origin: germline. Not counted in ClinVar's aggregate classification.
ClinVar note: Reason: Claim with insufficient supporting evidence

Literature cited by the submitters: PubMed 35341651 (cited by Variantyx, Inc.); PubMed 24886874 (cited by Variantyx, Inc.); PubMed 26543203 (cited by Variantyx, Inc.); PubMed 18992374 (cited by Variantyx, Inc.); PubMed 35904121 (cited by Variantyx, Inc. and Labcorp Genetics (formerly Invitae), Labcorp); PubMed 39501269 (cited by Labcorp Genetics (formerly Invitae), Labcorp).

NM_003108.4(SOX11):c.31G>T (p.Glu11Ter)

Gene: SOX11 (SRY-box transcription factor 11; plus strand). Cytogenetic location: 2p25.2.
Variant type: single nucleotide variant.
Coding change: c.31G>T on transcript NM_003108.4 (MANE Select); coding-DNA position 31, G replaced by T.
Protein change: p.Glu11Ter; replaces glutamic acid 11 with a stop codon.
Molecular consequence: nonsense.
Genome position (GRCh38, 1-based): chr2:5,692,752, G>T. VCF-style: chr2-5692752-G-T. GRCh37 (hg19) VCF-style: chr2-5832884-G-T.
Other names: short protein forms E11*.
Identifiers: ClinVar variation 3586731 (VCV003586731.3).